The following is an entry in ClinVar:

NC_000020.10:g.(?_61039892)_(61040067_?)del

Gene: GATA5 (GATA binding protein 5; minus strand). Cytogenetic location: 20q13.33.
Variant type: Deletion.
Identifiers: ClinVar variation 1347885 (VCV001347885.7).

ClinVar aggregate classification (germline): Uncertain significance (1 of 4 stars; one submission).

Submission:

Labcorp Genetics (formerly Invitae), Labcorp
Classification: Uncertain significance. Last evaluated: 2022-08-09. Review status: criteria provided, single submitter. Criteria: Invitae Variant Classification Sherloc (09022015). Collection method: clinical testing. Allele origin: germline.
Comment: In summary, the available evidence is currently insufficient to determine the role of this variant in disease. Therefore, it has been classified as a Variant of Uncertain Significance. This variant has not been reported in the literature in individuals affected with GATA5-related conditions. This variant is a gross deletion of the genomic region encompassing exon(s) 7 of the GATA5 gene, which includes the termination codon. This deletion extends beyond the assayed region for this gene and therefore may encompass additional genes. While this deletion is not anticipated to lead to nonsense mediated decay, it is expected to alter mRNA translation or result in a truncated protein product.